The following is an entry in ClinVar:

NM_015102.5(NPHP4):c.1704dup (p.Gln569fs)

Gene: NPHP4 (nephrocystin 4; minus strand). Cytogenetic location: 1p36.31.
Variant type: Duplication.
Coding change: c.1704dup on transcript NM_015102.5 (MANE Select); coding-DNA position 1704, one base duplicated (A; older notation c.1704dupA).
Protein change: p.Gln569fs; shifts the reading frame from glutamine 569.
Molecular consequence: frameshift variant. On other transcripts: non-coding transcript variant (1).
Genome position (GRCh38, 1-based): chr1:5,905,691, T duplicated on the plus strand (A on the coding strand, the reverse complement: NPHP4 is on the minus strand). VCF-style (leftmost placement, unchanged base first): chr1-5905690-G-GT. GRCh37 (hg19) VCF-style: chr1-5965750-G-GT.
Other names: c.165dup, p.Gln56fs (NM_001291593.2); c.168dup, p.Gln57fs (NM_001291594.2); short protein forms Q56fs, Q569fs, Q57fs.
Identifiers: ClinVar variation 2810631 (VCV002810631.3), dbSNP rs2521519226, ClinGen allele CA2642910523.
Genomic context (GRCh38, chr1:5,905,690, plus strand): 5'-ACCTCCTGGTCTGGGTTCCCACAACAATAGGGGCATGCAAAGGCGTGAACGGCAGCTCCT[G>GT]TAACTGTTCGGCAATGGATGTTTCCAGGACCAGGGAGGTCTGGCTCAGGTCGGCTTCCAG-3'

ClinVar aggregate classification (germline): Pathogenic (1 of 4 stars; one submission).

Conditions:
Nephronophthisis. Also called: Juvenile Nephronophthisis. Identifiers: Orphanet 655, MedGen C0687120, MONDO:0019005, HP:0000090.

Allele frequency attached by ClinVar (database versions not stated): gnomAD exomes below 0.00001.

Submission:

Labcorp Genetics (formerly Invitae), Labcorp
Classification: Pathogenic for Nephronophthisis. Last evaluated: 2023-04-27. Review status: criteria provided, single submitter. Criteria: Invitae Variant Classification Sherloc (09022015). Collection method: clinical testing. Allele origin: germline.
Comment: For these reasons, this variant has been classified as Pathogenic. This variant has not been reported in the literature in individuals affected with NPHP4-related conditions. This variant is not present in population databases (gnomAD no frequency). This sequence change creates a premature translational stop signal (p.Gln569Thrfs*46) in the NPHP4 gene. It is expected to result in an absent or disrupted protein product. Loss-of-function variants in NPHP4 are known to be pathogenic (PMID: 12205563, 23559409).

Literature cited by the submitters: PubMed 12205563; PubMed 23559409.